The following is an entry in ClinVar:

ClinVar aggregate classification (germline): Uncertain significance (1 of 4 stars; one submission).

Allele frequency attached by ClinVar (database versions not stated): gnomAD exomes below 0.00001 and 0.00001; TOPMed below 0.00001; ExAC 0.00001; gnomAD 0.00001.
gnomAD v4.1: 6 of 1,614,028 alleles (0.00037%); highest among the groups gnomAD compares: Admixed American, 0.0017%; no homozygotes.

Submission:

Labcorp Genetics (formerly Invitae), Labcorp
Classification: Uncertain significance. Last evaluated: 2023-11-27. Review status: criteria provided, single submitter. Criteria: Invitae Variant Classification Sherloc (09022015). Collection method: clinical testing. Allele origin: germline.
Comment: This sequence change replaces aspartic acid, which is acidic and polar, with asparagine, which is neutral and polar, at codon 610 of the CNNM4 protein (p.Asp610Asn). This variant is present in population databases (rs762347010, gnomAD 0.005%). This variant has not been reported in the literature in individuals affected with CNNM4-related conditions. ClinVar contains an entry for this variant (Variation ID: 1520576). Advanced modeling of protein sequence and biophysical properties (such as structural, functional, and spatial information, amino acid conservation, physicochemical variation, residue mobility, and thermodynamic stability) performed at Invitae indicates that this missense variant is not expected to disrupt CNNM4 protein function with a negative predictive value of 80%. In summary, the available evidence is currently insufficient to determine the role of this variant in disease. Therefore, it has been classified as a Variant of Uncertain Significance.

NM_020184.4(CNNM4):c.1828G>A (p.Asp610Asn)

Gene: CNNM4 (cyclin and CBS domain divalent metal cation transport mediator 4; plus strand). Cytogenetic location: 2q11.2.
Variant type: single nucleotide variant.
Coding change: c.1828G>A on transcript NM_020184.4 (MANE Select); coding-DNA position 1828, G replaced by A.
Protein change: p.Asp610Asn; replaces aspartic acid 610 with asparagine.
Molecular consequence: missense variant.
Genome position (GRCh38, 1-based): chr2:96,799,203, G>A. VCF-style: chr2-96799203-G-A. GRCh37 (hg19) VCF-style: chr2-97464940-G-A.
Other names: short protein forms D610N.
Identifiers: ClinVar variation 1520576 (VCV001520576.7), dbSNP rs762347010, ClinGen allele CA1783481.